The following is an entry in ClinVar:

NM_015076.5(CDK19):c.94T>C (p.Tyr32His)

Genes: AMD1 (adenosylmethionine decarboxylase 1; plus strand), CDK19 (cyclin dependent kinase 19; minus strand). Cytogenetic location: 6q21.
Variant type: single nucleotide variant.
Coding change: c.94T>C on transcript NM_015076.5 (MANE Select); coding-DNA position 94, T replaced by C.
Protein change: p.Tyr32His; replaces tyrosine 32 with histidine.
Molecular consequence: missense variant. On other transcripts: intron variant (3).
Genome position (GRCh38, 1-based): chr6:110,815,043, A>G on the plus strand (T>C on the coding strand, the complement: CDK19 is on the minus strand). VCF-style: chr6-110815043-A-G. GRCh37 (hg19) VCF-style: chr6-111136246-A-G.
Other names: c.94T>C, p.Tyr32His (NM_001300960.2); c.-53+765T>C (NM_001300964.2); c.-115+528T>C (NM_001300963.2); c.-98+228A>G (NM_001287215.2); short protein forms Y32H.
Identifiers: ClinVar variation 929848 (VCV000929848.9), dbSNP rs1236246272, ClinGen allele CA365245579.
Genomic context (GRCh38, chr6:110,815,043, plus strand): 5'-CCTACTCCTCCCGCCCCTGCTCTTACCCATCTTTCCGCCTCGCCTTGTAGACGTGACCGT[A>G]GGTGCCGCGTCCCACTTTGCACCCTTCGTACTCAAACAAATCCTCCACCCGCTCCCGCTC-3'
Protein context (NP_055891.1, residues 22-42): YEGCKVGRGT[Tyr32His]GHVYKARRKD

ClinVar aggregate classification (germline): Pathogenic. Review status: criteria provided, single submitter (1 of 4 stars). 3 submissions from 3 submitters: Pathogenic (1). 2 of the submissions do not count toward it. Last evaluated 2022-09-01.

Conditions:
Developmental and epileptic encephalopathy, 87. Also called: EPILEPTIC ENCEPHALOPATHY, EARLY INFANTILE, 87. Identifiers: MedGen C5394501, MONDO:0030059, OMIM 618916.

Submissions (3):

Laboratory of Medical Genetics, National & Kapodistrian University of Athens
Classification: Pathogenic for Developmental and epileptic encephalopathy, 87. Last evaluated: 2022-09-01. Review status: criteria provided, single submitter. Criteria: ACMG Guidelines, 2015. Collection method: clinical testing. Allele origin: germline. Affected: yes.
Comment: PS3, PS4, PM1, PM2, PM5, PP2, PP3, PP5

OMIM
Classification: Pathogenic for DEVELOPMENTAL AND EPILEPTIC ENCEPHALOPATHY 87. Last evaluated: 2022-10-18. Review status: no assertion criteria provided. Collection method: literature only. Allele origin: germline. Not counted in ClinVar's aggregate classification.

Zarate Arkansas Children's Genetics Clinic, Arkansas Children's Hospital
Classification: Pathogenic for Developmental and epileptic encephalopathy, 87. Last evaluated: 2020-08-11. Review status: no assertion criteria provided. Collection method: clinical testing, research. Allele origin: de novo. Affected: yes. Observed: 2 variant alleles. Not counted in ClinVar's aggregate classification.
Comment: De novo variant, in conserved residue, absent in population databases, located in functional domain with other variants, previously reported as pathogenic

Literature cited by the submitters: PubMed 32330417 (cited by OMIM); PubMed 33134521 (cited by OMIM); PubMed 33495529 (cited by OMIM).